The following is an entry in ClinVar:

NM_001271.4(CHD2):c.4977C>T (p.Ser1659=)

Gene: CHD2 (chromodomain helicase DNA binding protein 2; plus strand). Cytogenetic location: 15q26.1.
Variant type: single nucleotide variant.
Coding change: c.4977C>T on transcript NM_001271.4 (MANE Select); coding-DNA position 4977, C replaced by T.
Protein change: p.Ser1659=; no amino-acid change (serine 1659 retained).
Molecular consequence: synonymous variant.
Genome position (GRCh38, 1-based): chr15:93,020,082, C>T. VCF-style: chr15-93020082-C-T. GRCh37 (hg19) VCF-style: chr15-93563312-C-T.
Identifiers: ClinVar variation 514717 (VCV000514717.35), dbSNP rs769365893, ClinGen allele CA7748611.
Genomic context (GRCh38, chr15:93,020,082, plus strand): 5'-CTGGCAGAGGGAAAGAAAGTTCAACTATGGTGGTGGCAACAACAATCCACCATGGGGAAG[C>T]GACAGGCACCATCAGTATGAGCAGCACTGGTACAAGGACCACCATTATGGGGACCGGCGA-3'
Protein context (NP_001262.3, residues 1649-1669): GGGNNNPPWG[Ser1659=]DRHHQYEQHW

ClinVar aggregate classification (germline): Likely benign. Review status: criteria provided, multiple submitters, no conflicts (2 of 4 stars). 3 submissions from 3 submitters: Likely benign (3). Last evaluated 2026-07-01.

Conditions:
Developmental and epileptic encephalopathy 94 (DEE94). Also called: Epileptic encephalopathy, childhood-onset; CHD2-Related Neurodevelopmental Disorders. Identifiers: Orphanet 1942, Orphanet 2382, MedGen C3809278, MONDO:0014150, OMIM 615369.

Allele frequency attached by ClinVar (database versions not stated): gnomAD exomes 0.00006 and 0.00004; ExAC 0.00007; gnomAD 0.00007; TOPMed 0.00010.
gnomAD v4.1: 78 of 1,614,052 alleles (0.0048%); highest among the groups gnomAD compares: Middle Eastern, 0.049%; 1 homozygote.

Submissions (4):

CeGaT Center for Human Genetics Tuebingen
Classification: Likely benign. Last evaluated: 2026-07-01. Review status: criteria provided, single submitter. Criteria: CeGaT Center For Human Genetics Tuebingen Variant Classification Criteria Version 2. Collection method: clinical testing. Allele origin: germline. Affected: yes. Observed: 3 variant alleles.
Comment: CHD2: BP4, BP7

Labcorp Genetics (formerly Invitae), Labcorp
Classification: Likely benign for Developmental and epileptic encephalopathy 94. Last evaluated: 2025-12-09. Review status: criteria provided, single submitter. Criteria: Invitae Variant Classification Sherloc (09022015). Collection method: clinical testing. Allele origin: germline.

GeneDx
Classification: Likely benign. Last evaluated: 2021-06-03. Review status: criteria provided, single submitter. Criteria: GeneDx Variant Classification Process June 2021. Collection method: clinical testing. Allele origin: germline. Affected: yes.

Dr. Peter K. Rogan Lab, Western University
No classification provided (evidence only). Condition: Colon adenocarcinoma. Review status: no classification provided. Collection method: in vitro. Allele origin: not applicable. Functional consequence: retained intron. Not counted in ClinVar's aggregate classification.